The following is an entry in ClinVar:

ClinVar aggregate classification (germline): Uncertain significance (1 of 4 stars; one submission).

Allele frequency attached by ClinVar (database versions not stated): gnomAD 0.00001; gnomAD exomes 0.00001; TOPMed 0.00002; ExAC 0.00006.
gnomAD v4.1: 15 of 1,590,536 alleles (0.00094%); highest among the groups gnomAD compares: East Asian, 0.0023%; no homozygotes.

Submission:

Labcorp Genetics (formerly Invitae), Labcorp
Classification: Uncertain significance. Last evaluated: 2024-01-15. Review status: criteria provided, single submitter. Criteria: Invitae Variant Classification Sherloc (09022015). Collection method: clinical testing. Allele origin: germline.
Comment: This sequence change replaces glutamic acid, which is acidic and polar, with lysine, which is basic and polar, at codon 612 of the ARHGEF18 protein (p.Glu612Lys). The frequency data for this variant in the population databases is considered unreliable, as metrics indicate poor data quality at this position in the gnomAD database. This variant has not been reported in the literature in individuals affected with ARHGEF18-related conditions. ClinVar contains an entry for this variant (Variation ID: 1356909). An algorithm developed to predict the effect of missense changes on protein structure and function (PolyPhen-2) suggests that this variant is likely to be disruptive. In summary, the available evidence is currently insufficient to determine the role of this variant in disease. Therefore, it has been classified as a Variant of Uncertain Significance.

NM_001367823.1(ARHGEF18):c.2398G>A (p.Glu800Lys)

Gene: ARHGEF18 (Rho/Rac guanine nucleotide exchange factor 18; plus strand). Cytogenetic location: 19p13.2.
Variant type: single nucleotide variant.
Coding change: c.2398G>A on transcript NM_001367823.1 (MANE Select); coding-DNA position 2398, G replaced by A.
Protein change: p.Glu800Lys; replaces glutamic acid 800 with lysine.
Molecular consequence: missense variant.
Genome position (GRCh38, 1-based): chr19:7,459,940, G>A. VCF-style: chr19-7459940-G-A. GRCh37 (hg19) VCF-style: chr19-7524826-G-A.
Other names: c.1672G>A, p.Glu558Lys (NM_001130955.2); c.1360G>A, p.Glu454Lys (NM_001367824.1, NM_015318.4); short protein forms E558K, E800K, E454K.
Identifiers: ClinVar variation 1356909 (VCV001356909.7), dbSNP rs759853169, ClinGen allele CA9136822.